The following is an entry in ClinVar:

ClinVar aggregate classification (germline): Uncertain significance (1 of 4 stars; one submission).

Conditions:
GRXCR2-related disorder. Also called: GRXCR2-related condition.

Submission:

PreventionGenetics, part of Exact Sciences
Classification: Uncertain significance for GRXCR2-related condition. Last evaluated: 2026-09-17. Review status: criteria provided, single submitter. Criteria: ACMG Guidelines, 2015. Collection method: clinical testing. Allele origin: germline.
Comment: The GRXCR2 c.121G>A variant is predicted to result in the amino acid substitution p.Glu41Lys. To our knowledge, this variant has not been reported in the literature. This variant is reported in 0.0054% of alleles in individuals of East Asian descent in gnomAD. At this time, the clinical significance of this variant is uncertain due to the absence of conclusive functional and genetic evidence.

NM_001080516.2(GRXCR2):c.121G>A (p.Glu41Lys)

Gene: GRXCR2 (glutaredoxin and cysteine rich domain containing 2; minus strand). Cytogenetic location: 5q32.
Variant type: single nucleotide variant.
Coding change: c.121G>A on transcript NM_001080516.2 (MANE Select); coding-DNA position 121, G replaced by A.
Protein change: p.Glu41Lys; replaces glutamic acid 41 with lysine.
Molecular consequence: missense variant.
Genome position (GRCh38, 1-based): chr5:145,872,848, C>T on the plus strand (G>A on the coding strand, the complement: GRXCR2 is on the minus strand). VCF-style: chr5-145872848-C-T. GRCh37 (hg19) VCF-style: chr5-145252411-C-T.
Other names: short protein forms E41K.
Identifiers: ClinVar variation 4977236 (VCV004977236.1).